The following is an entry in ClinVar:

ClinVar aggregate classification (germline): Conflicting classifications of pathogenicity. Review status: criteria provided, conflicting classifications (1 of 4 stars). 5 submissions from 5 submitters: Uncertain significance (3); Likely benign (2). Last evaluated 2026-01-25.

Conditions:
Xeroderma pigmentosum, group F (XPF). Also called: XERODERMA PIGMENTOSUM, COMPLEMENTATION GROUP F; XERODERMA PIGMENTOSUM VI; XP, GROUP F; ERCC4-Related Xeroderma Pigmentosum; XERODERMA PIGMENTOSUM, TYPE F; Xeroderma pigmentosum, type 6. Identifiers: MedGen C0268140, MONDO:0010215, OMIM 278760.
XFE progeroid syndrome (XFEPS). Also called: XPF-ERCC1 PROGEROID SYNDROME. Identifiers: MedGen C1970416, MONDO:0012590, OMIM 610965.
Fanconi anemia complementation group Q. Identifiers: Orphanet 84, MedGen C3808988, MONDO:0014108, OMIM 615272.
Cockayne syndrome. Identifiers: Orphanet 191, MedGen C0009207, MONDO:0016006.

Allele frequency attached by ClinVar (database versions not stated): gnomAD exomes 0.00020 and 0.00025; ExAC 0.00021; 1000 Genomes Project 30x 0.00031; 1000 Genomes Project 0.00040; ESP Exome Variant Server 0.00046; gnomAD 0.00057 and 0.00060; TOPMed 0.00065.
gnomAD v4.1: 397 of 1,614,190 alleles (0.025%); highest among the groups gnomAD compares: African/African-American, 0.13%; 1 homozygote.

Submissions (5):

Labcorp Genetics (formerly Invitae), Labcorp
Classification: Likely benign for Fanconi anemia complementation group Q; Xeroderma pigmentosum, group F; Cockayne syndrome. Last evaluated: 2026-01-25. Review status: criteria provided, single submitter. Criteria: Invitae Variant Classification Sherloc (09022015). Collection method: clinical testing. Allele origin: germline.

GeneDx
Classification: Uncertain significance. Last evaluated: 2025-01-28. Review status: criteria provided, single submitter. Criteria: GeneDx Variant Classification Process June 2021. Collection method: clinical testing. Allele origin: germline. Affected: yes.
Comment: In silico analysis supports a deleterious effect on splicing; Has not been previously published as pathogenic or benign to our knowledge

Fulgent Genetics
Classification: Likely benign for Xeroderma pigmentosum, group F; XFE progeroid syndrome; Fanconi anemia complementation group Q. Last evaluated: 2024-03-25. Review status: criteria provided, single submitter. Criteria: ACMG Guidelines, 2015. Collection method: clinical testing. Allele origin: germline.

Genetic Services Laboratory, University of Chicago
Classification: Uncertain significance. Last evaluated: 2020-11-06. Review status: criteria provided, single submitter. Criteria: ACMG Guidelines, 2015. Collection method: clinical testing. Allele origin: germline. Affected: no.

Illumina Laboratory Services, Illumina
Classification: Uncertain significance for Xeroderma pigmentosum, group F. Last evaluated: 2018-01-12. Review status: criteria provided, single submitter. Criteria: ICSL Variant Classification Criteria 13 December 2019. Collection method: clinical testing. Allele origin: germline.

NM_005236.3(ERCC4):c.2292C>T (p.Ser764=)

Gene: ERCC4 (ERCC excision repair 4, endonuclease catalytic subunit; plus strand). Cytogenetic location: 16p13.12.
Variant type: single nucleotide variant.
Coding change: c.2292C>T on transcript NM_005236.3 (MANE Select); coding-DNA position 2292, C replaced by T.
Protein change: p.Ser764=; no amino-acid change (serine 764 retained).
Molecular consequence: synonymous variant.
Genome position (GRCh38, 1-based): chr16:13,947,888, C>T. VCF-style: chr16-13947888-C-T. GRCh37 (hg19) VCF-style: chr16-14041745-C-T.
Identifiers: ClinVar variation 317821 (VCV000317821.20), dbSNP rs139406689, ClinGen allele CA7910719.